The following is an entry in ClinVar:

NM_001367721.1(CASK):c.2040-9A>G

Gene: CASK (calcium/calmodulin dependent serine protein kinase; minus strand). Cytogenetic location: Xp11.4.
Variant type: single nucleotide variant.
Coding change: c.2040-9A>G on transcript NM_001367721.1 (MANE Select); 9 bases into the intron before coding-DNA position 2040, A replaced by G.
Molecular consequence: intron variant.
Genome position (GRCh38, 1-based): chrX:41,542,815, T>C on the plus strand (A>G on the coding strand, the complement: CASK is on the minus strand). VCF-style: chrX-41542815-T-C. GRCh37 (hg19) VCF-style: chrX-41402068-T-C.
Other names: c.1953-9A>G (NM_001126055.3); c.2022-9A>G (NM_001410745.1); c.1971-9A>G (NM_001126054.3); c.2040-9A>G (NM_003688.4).
Identifiers: ClinVar variation 158068 (VCV000158068.19), dbSNP rs138290714, ClinGen allele CA171479.

ClinVar aggregate classification (germline): Benign/Likely benign. Review status: criteria provided, multiple submitters, no conflicts (2 of 4 stars). 6 submissions from 6 submitters: Benign (3); Likely benign (3). Last evaluated 2026-01-28.

Conditions:
Intellectual disability, CASK-related, X-linked. Identifiers: MedGen CN043158.

Allele frequency attached by ClinVar (database versions not stated): gnomAD exomes 0.00063; 1000 Genomes Project 30x 0.00499; 1000 Genomes Project 0.00503; gnomAD 0.00559 and 0.00595; TOPMed 0.00640; ESP Exome Variant Server 0.00786.
gnomAD v4.1: 1,262 of 1,019,577 alleles (0.12%); highest among the groups gnomAD compares: African/African-American, 2.1%; 11 homozygotes.

Submissions (6):

Labcorp Genetics (formerly Invitae), Labcorp
Classification: Benign for Intellectual disability, CASK-related, X-linked. Last evaluated: 2026-01-28. Review status: criteria provided, single submitter. Criteria: Invitae Variant Classification Sherloc (09022015). Collection method: clinical testing. Allele origin: germline.

Blueprint Genetics
Classification: Likely benign. Last evaluated: 2024-10-18. Review status: criteria provided, single submitter. Criteria: ACMG Guidelines, 2015. Collection method: clinical testing. Allele origin: germline.

Athena Diagnostics
Classification: Benign. Last evaluated: 2017-04-14. Review status: criteria provided, single submitter. Criteria: Athena Diagnostics Criteria. Collection method: clinical testing. Allele origin: germline.

GeneDx
Classification: Benign. Last evaluated: 2016-03-22. Review status: criteria provided, single submitter. Criteria: GeneDx Variant Classification (06012015). Collection method: clinical testing. Allele origin: germline. Affected: yes.
Comment: This variant is considered likely benign or benign based on one or more of the following criteria: it is a conservative change, it occurs at a poorly conserved position in the protein, it is predicted to be benign by multiple in silico algorithms, and/or has population frequency not consistent with disease.

Genetic Services Laboratory, University of Chicago
Classification: Likely benign. Last evaluated: 2014-07-21. Review status: criteria provided, single submitter. Criteria: ACMG Guidelines, 2015. Collection method: clinical testing. Allele origin: germline. Inheritance: X-linked inheritance.
Comment: Likely benign based on allele frequency in 1000 Genomes Project or ESP global frequency and its presence in a patient with a rare or unrelated disease phenotype. NOT Sanger confirmed

Breakthrough Genomics
Classification: Likely benign. Review status: criteria provided, single submitter. Criteria: ACMG Guidelines, 2015. Collection method: not provided. Allele origin: germline. Inheritance: X-linked inheritance. Affected: yes.